The following is an entry in ClinVar:

NM_053025.4(MYLK):c.304G>C (p.Gly102Arg)

Gene: MYLK (myosin light chain kinase; minus strand). Cytogenetic location: 3q21.1.
Variant type: single nucleotide variant.
Coding change: c.304G>C on transcript NM_053025.4 (MANE Select); coding-DNA position 304, G replaced by C.
Protein change: p.Gly102Arg; replaces glycine 102 with arginine.
Molecular consequence: missense variant. On other transcripts: intron variant (1).
Genome position (GRCh38, 1-based): chr3:123,752,400, C>G on the plus strand (G>C on the coding strand, the complement: MYLK is on the minus strand). VCF-style: chr3-123752400-C-G. GRCh37 (hg19) VCF-style: chr3-123471247-C-G.
Other names: c.304G>C, p.Gly102Arg (NM_053026.4, NM_053027.4, NM_053028.4); c.-155-12399G>C (NM_001321309.2); short protein forms G102R.
Identifiers: ClinVar variation 539085 (VCV000539085.11), dbSNP rs1345796517, ClinGen allele CA354244207.

ClinVar aggregate classification (germline): Uncertain significance. Review status: criteria provided, multiple submitters, no conflicts (2 of 4 stars). 4 submissions from 4 submitters: Uncertain significance (2). 2 of the submissions do not count toward it. Last evaluated 2025-11-01.

Conditions:
Familial thoracic aortic aneurysm and aortic dissection (TAAD). Also called: Thoracic aortic aneurysms and dissections. Identifiers: Orphanet 91387, MedGen C4707243, MONDO:0019625.
Aortic aneurysm, familial thoracic 7 (AAT7). Also called: AORTIC DISSECTION, FAMILIAL, WITH OR WITHOUT AORTIC ANEURYSM. Identifiers: MedGen C3151077, MONDO:0013418, OMIM 613780.

Allele frequency attached by ClinVar (database versions not stated): gnomAD 0.00002; gnomAD exomes 0.00002; TOPMed 0.00002.
gnomAD v4.1: 41 of 1,614,062 alleles (0.0025%); highest among the groups gnomAD compares: Non-Finnish European, 0.0033%; no homozygotes.

Submissions (4):

Labcorp Genetics (formerly Invitae), Labcorp
Classification: Uncertain significance for Aortic aneurysm, familial thoracic 7. Last evaluated: 2025-11-01. Review status: criteria provided, single submitter. Criteria: Invitae Variant Classification Sherloc (09022015). Collection method: clinical testing. Allele origin: germline.
Comment: This sequence change replaces glycine, which is neutral and non-polar, with arginine, which is basic and polar, at codon 102 of the MYLK protein (p.Gly102Arg). This variant is present in population databases (no rsID available, gnomAD 0.005%). This variant has not been reported in the literature in individuals affected with MYLK-related conditions. ClinVar contains an entry for this variant (Variation ID: 539085). Invitae Evidence Modeling of protein sequence and biophysical properties (such as structural, functional, and spatial information, amino acid conservation, physicochemical variation, residue mobility, and thermodynamic stability) indicates that this missense variant is not expected to disrupt MYLK protein function with a negative predictive value of 95%. In summary, the available evidence is currently insufficient to determine the role of this variant in disease. Therefore, it has been classified as a Variant of Uncertain Significance.

Ambry Genetics
Classification: Uncertain significance for Familial thoracic aortic aneurysm and aortic dissection. Last evaluated: 2019-12-02. Review status: criteria provided, single submitter. Criteria: Ambry Variant Classification Scheme 2023. Collection method: clinical testing. Allele origin: germline.
Comment: The p.G102R variant (also known as c.304G>C), located in coding exon 2 of the MYLK gene, results from a G to C substitution at nucleotide position 304. The glycine at codon 102 is replaced by arginine, an amino acid with dissimilar properties. This amino acid position is highly conserved in available vertebrate species. In addition, this alteration is predicted to be deleterious by in silico analysis. Since supporting evidence is limited at this time, the clinical significance of this alteration remains unclear.

Clinical Genetics DNA and cytogenetics Diagnostics Lab, Erasmus MC, Erasmus Medical Center
Classification: Uncertain significance. Review status: no assertion criteria provided. Collection method: clinical testing. Allele origin: germline. Affected: yes. Study: VKGL Data-share Consensus. Not counted in ClinVar's aggregate classification.

Genome Diagnostics Laboratory, University Medical Center Utrecht
Classification: Uncertain significance. Review status: no assertion criteria provided. Collection method: clinical testing. Allele origin: germline. Affected: yes. Study: VKGL Data-share Consensus. Not counted in ClinVar's aggregate classification.